The following is an entry in ClinVar:

ClinVar aggregate classification (germline): Uncertain significance (1 of 4 stars; one submission).

Conditions:
Combined immunodeficiency due to MALT1 deficiency. Also called: Immunodeficiency 12. Identifiers: Orphanet 397964, MedGen C3809583, MONDO:0014197, OMIM 615468.

Allele frequency attached by ClinVar (database versions not stated): gnomAD exomes below 0.00001.
gnomAD v4.1: 1 of 1,258,286 alleles (0.000079%); highest among the groups gnomAD compares: Non-Finnish European, 0.00011%; no homozygotes.

Submission:

Labcorp Genetics (formerly Invitae), Labcorp
Classification: Uncertain significance for Combined immunodeficiency due to MALT1 deficiency. Last evaluated: 2022-11-01. Review status: criteria provided, single submitter. Criteria: Invitae Variant Classification Sherloc (09022015). Collection method: clinical testing. Allele origin: germline.
Comment: This variant has not been reported in the literature in individuals affected with MALT1-related conditions. In summary, the available evidence is currently insufficient to determine the role of this variant in disease. Therefore, it has been classified as a Variant of Uncertain Significance. Variants that disrupt the consensus splice site are a relatively common cause of aberrant splicing (PMID: 17576681, 9536098). Algorithms developed to predict the effect of sequence changes on RNA splicing suggest that this variant may disrupt the consensus splice site. This variant is not present in population databases (gnomAD no frequency). This sequence change falls in intron 8 of the MALT1 gene. It does not directly change the encoded amino acid sequence of the MALT1 protein. It affects a nucleotide within the consensus splice site.

Literature cited by the submitters: PubMed 17576681; PubMed 9536098.

NM_006785.4(MALT1):c.985+6T>C

Gene: MALT1 (MALT1 paracaspase; plus strand). Cytogenetic location: 18q21.32.
Variant type: single nucleotide variant.
Coding change: c.985+6T>C on transcript NM_006785.4 (MANE Select); 6 bases into the intron after coding-DNA position 985, T replaced by C.
Molecular consequence: intron variant.
Genome position (GRCh38, 1-based): chr18:58,714,115, T>C. VCF-style: chr18-58714115-T-C. GRCh37 (hg19) VCF-style: chr18-56381347-T-C.
Other names: c.952+6T>C (NM_173844.3).
Identifiers: ClinVar variation 2161826 (VCV002161826.4), dbSNP rs2511526848, ClinGen allele CA2580095956.